The following is an entry in ClinVar:

ClinVar aggregate classification (germline): Uncertain significance. Review status: criteria provided, multiple submitters, no conflicts (2 of 4 stars). 2 submissions from 2 submitters: Uncertain significance (2). Last evaluated 2025-09-30.

Conditions:
Hereditary cancer-predisposing syndrome. Also called: Hereditary Cancer Syndrome; Hereditary neoplastic syndrome; Tumor predisposition; Neoplastic Syndromes, Hereditary. Identifiers: Orphanet 140162, MedGen C0027672, MeSH D009386, MONDO:0015356.

Allele frequency attached by ClinVar (database versions not stated): gnomAD exomes below 0.00001.

Submissions (2):

Ambry Genetics
Classification: Uncertain significance for Hereditary cancer-predisposing syndrome. Last evaluated: 2025-09-30. Review status: criteria provided, single submitter. Criteria: Ambry Variant Classification Scheme 2023. Collection method: clinical testing. Allele origin: germline.
Comment: The p.K8R variant (also known as c.23A>G), located in coding exon 1 of the SMARCB1 gene, results from an A to G substitution at nucleotide position 23. The lysine at codon 8 is replaced by arginine, an amino acid with highly similar properties. This amino acid position is highly conserved in available vertebrate species. In addition, this alteration is predicted to be tolerated by in silico analysis. Missense and in-frame variants in SMARCB1 are known to cause neurodevelopmental disorders; however, such associations with rhabdoid tumor predisposition syndrome are exceedingly rare (Kosho T et al. Am J Med Genet C Semin Med Genet. 2014 Sep;166C(3):262-75; Eaton KW et al. Pediatr Blood Cancer. 2011 Jan;56(1):7-15). Based on the supporting evidence, the association of this alteration with Coffin-Siris syndrome is unknown; however, the association of this alteration with rhabdoid tumor predisposition syndrome is unlikely.

Breakthrough Genomics
Classification: Uncertain significance. Review status: criteria provided, single submitter. Criteria: ACMG Guidelines, 2015. Collection method: not provided. Allele origin: germline. Inheritance: Autosomal dominant inheritance. Affected: yes.

NM_003073.5(SMARCB1):c.23A>G (p.Lys8Arg)

Gene: SMARCB1 (SWI/SNF related BAF chromatin remodeling complex subunit B1; plus strand). Cytogenetic location: 22q11.23.
Variant type: single nucleotide variant.
Coding change: c.23A>G on transcript NM_003073.5 (MANE Select); coding-DNA position 23, A replaced by G.
Protein change: p.Lys8Arg; replaces lysine 8 with arginine.
Molecular consequence: missense variant.
Genome position (GRCh38, 1-based): chr22:23,787,192, A>G. VCF-style: chr22-23787192-A-G. GRCh37 (hg19) VCF-style: chr22-24129379-A-G.
Other names: c.23A>G, p.Lys8Arg (NM_001007468.3, NM_001317946.2, NM_001362877.2); short protein forms K8R.
Identifiers: ClinVar variation 1790699 (VCV001790699.4), dbSNP rs2517652533, ClinGen allele CA410930530.